The following is an entry in ClinVar:

NM_001982.4(ERBB3):c.2737G>A (p.Ala913Thr)

Gene: ERBB3 (erb-b2 receptor tyrosine kinase 3; plus strand). Cytogenetic location: 12q13.2.
Variant type: single nucleotide variant.
Coding change: c.2737G>A on transcript NM_001982.4 (MANE Select); coding-DNA position 2737, G replaced by A.
Protein change: p.Ala913Thr; replaces alanine 913 with threonine.
Molecular consequence: missense variant.
Genome position (GRCh38, 1-based): chr12:56,098,803, G>A. VCF-style: chr12-56098803-G-A. GRCh37 (hg19) VCF-style: chr12-56492587-G-A.
Other names: short protein forms A913T.
Identifiers: ClinVar variation 3352061 (VCV003352061.1).

ClinVar aggregate classification (germline): Uncertain significance (0 of 4 stars; one submission).

Conditions:
ERBB3-related disorder. Also called: ERBB3-related condition.

gnomAD v4.1: 29 of 1,613,734 alleles (0.0018%); highest among the groups gnomAD compares: Admixed American, 0.0083%; no homozygotes.

Submission:

PreventionGenetics, part of Exact Sciences
Classification: Uncertain significance for ERBB3-related condition. Last evaluated: 2024-07-08. Review status: no assertion criteria provided. Collection method: clinical testing. Allele origin: germline.
Comment: The ERBB3 c.2737G>A variant is predicted to result in the amino acid substitution p.Ala913Thr. To our knowledge, this variant has not been reported in the literature. This variant is reported in 0.0087% of alleles in individuals of Latino descent in gnomAD. At this time, the clinical significance of this variant is uncertain due to the absence of conclusive functional and genetic evidence.